The following is an entry in ClinVar:

NM_004006.3(DMD):c.2861G>A (p.Trp954Ter)

Gene: DMD (dystrophin; minus strand). Cytogenetic location: Xp21.1.
Variant type: single nucleotide variant.
Coding change: c.2861G>A on transcript NM_004006.3 (MANE Select); coding-DNA position 2861, G replaced by A.
Protein change: p.Trp954Ter; replaces tryptophan 954 with a stop codon.
Molecular consequence: nonsense.
Genome position (GRCh38, 1-based): chrX:32,472,252, C>T on the plus strand (G>A on the coding strand, the complement: DMD is on the minus strand). VCF-style: chrX-32472252-C-T. GRCh37 (hg19) VCF-style: chrX-32490369-C-T.
Other names: c.2861G>A (NM_004006.2); c.2837G>A, p.Trp946Ter (NM_000109.4); c.2849G>A, p.Trp950Ter (NM_004009.3); c.2492G>A, p.Trp831Ter (NM_004010.3); short protein forms W954*, W946*, W950*, W831*.
Identifiers: ClinVar variation 288476 (VCV000288476.9), dbSNP rs886043909, ClinGen allele CA10606101.
Genomic context (GRCh38, chrX:32,472,252, plus strand): 5'-ATTTCATAGTCGGTGACACTAAGTTGAGGTATGGAGAGTTTGGTTTCTGACTGCTGGACC[C>T]ATGTCCTGATGGCACTCATGGTCTCCTGATAGCGCATTGGTGGCAAAGTGTCAAAAACTT-3'

ClinVar aggregate classification (germline): Pathogenic. Review status: criteria provided, multiple submitters, no conflicts (2 of 4 stars). 4 submissions from 4 submitters: Pathogenic (4). Last evaluated 2024-05-08.

Conditions:
Duchenne muscular dystrophy (DMD). Also called: MUSCULAR DYSTROPHY, PSEUDOHYPERTROPHIC PROGRESSIVE, DUCHENNE TYPE; Duchenne Muscular Dystrophy (DMD). Identifiers: Orphanet 98896, MedGen C0013264, MONDO:0010679, OMIM 310200.
Progressive muscular dystrophy. Identifiers: Orphanet 206644, MedGen C4551827, MONDO:0016106.

Submissions (4):

Myriad Genetics, Inc.
Classification: Pathogenic for Progressive muscular dystrophy. Last evaluated: 2024-05-08. Review status: criteria provided, single submitter. Criteria: Myriad Autosomal Dominant, Autosomal Recessive and X-Linked Classification Criteria (2023). Collection method: clinical testing. Allele origin: unknown.
Comment: NM_004006.2(DMD):c.2861G>A(W954*) is expected to be pathogenic in the context of dystrophinopathy (including Duchenne/Becker muscular dystrophy). This variant is predicted to lead to an abnormal or absent protein product due to the creation of a premature termination codon in DMD, a gene where loss-of-function variants are known to be pathogenic. Please note: this variant was assessed in the context of healthy population screening.

Revvity Omics, Revvity
Classification: Pathogenic. Last evaluated: 2024-04-15. Review status: criteria provided, single submitter. Criteria: ACMG Guidelines, 2015. Collection method: clinical testing. Allele origin: germline.

Labcorp Genetics (formerly Invitae), Labcorp
Classification: Pathogenic for Duchenne muscular dystrophy. Last evaluated: 2024-03-16. Review status: criteria provided, single submitter. Criteria: Invitae Variant Classification Sherloc (09022015). Collection method: clinical testing. Allele origin: germline.
Comment: This sequence change creates a premature translational stop signal (p.Trp954*) in the DMD gene. It is expected to result in an absent or disrupted protein product. Loss-of-function variants in DMD are known to be pathogenic (PMID: 16770791, 25007885). This variant is not present in population databases (gnomAD no frequency). This premature translational stop signal has been observed in individual(s) with Duchenne Muscular Dystrophy, Becker Muscular Dystrophy (PMID: 19937601). ClinVar contains an entry for this variant (Variation ID: 288476). For these reasons, this variant has been classified as Pathogenic.

Eurofins Ntd Llc (ga)
Classification: Pathogenic. Last evaluated: 2016-06-21. Review status: criteria provided, single submitter. Criteria: EGL Classification Definitions 2015. Collection method: clinical testing. Allele origin: germline. Observed: 1 variant allele, 1 hemizygote.

Literature cited by the submitters: PubMed 16770791 (cited by Labcorp Genetics (formerly Invitae), Labcorp); PubMed 25007885 (cited by Labcorp Genetics (formerly Invitae), Labcorp); PubMed 19937601 (cited by Labcorp Genetics (formerly Invitae), Labcorp).